The following is an entry in ClinVar:

NM_183075.3(CYP2U1):c.682G>A (p.Val228Ile)

Gene: CYP2U1 (cytochrome P450 family 2 subfamily U member 1; plus strand). Cytogenetic location: 4q25.
Variant type: single nucleotide variant.
Coding change: c.682G>A on transcript NM_183075.3 (MANE Select); coding-DNA position 682, G replaced by A.
Protein change: p.Val228Ile; replaces valine 228 with isoleucine.
Molecular consequence: missense variant.
Genome position (GRCh38, 1-based): chr4:107,945,161, G>A. VCF-style: chr4-107945161-G-A. GRCh37 (hg19) VCF-style: chr4-108866317-G-A.
Other names: c.682G>A (NM_183075.2); short protein forms V228I.
Identifiers: ClinVar variation 2031684 (VCV002031684.2), dbSNP rs149763668, ClinGen allele CA3037042.

ClinVar aggregate classification (germline): Uncertain significance. Review status: criteria provided, multiple submitters, no conflicts (2 of 4 stars). 2 submissions from 2 submitters: Uncertain significance (2). Last evaluated 2025-01-09.

Conditions:
Inborn genetic diseases. Identifiers: MedGen C0950123, MeSH D030342.
Spastic paraplegia. Identifiers: MedGen C0037772, HP:0001258.

Allele frequency attached by ClinVar (database versions not stated): gnomAD 0.00003; gnomAD exomes 0.00003; TOPMed 0.00003; ExAC 0.00005; ESP Exome Variant Server 0.00008.

Submissions (2):

Ambry Genetics
Classification: Uncertain significance for Inborn genetic diseases. Last evaluated: 2025-01-09. Review status: criteria provided, single submitter. Criteria: Ambry Variant Classification Scheme 2023. Collection method: clinical testing. Allele origin: germline.

Labcorp Genetics (formerly Invitae), Labcorp
Classification: Uncertain significance for Spastic paraplegia. Last evaluated: 2022-06-19. Review status: criteria provided, single submitter. Criteria: Invitae Variant Classification Sherloc (09022015). Collection method: clinical testing. Allele origin: germline.
Comment: This sequence change replaces valine, which is neutral and non-polar, with isoleucine, which is neutral and non-polar, at codon 228 of the CYP2U1 protein (p.Val228Ile). The frequency data for this variant in the population databases is considered unreliable, as metrics indicate poor data quality at this position in the gnomAD database. This variant has not been reported in the literature in individuals affected with CYP2U1-related conditions. Advanced modeling of protein sequence and biophysical properties (such as structural, functional, and spatial information, amino acid conservation, physicochemical variation, residue mobility, and thermodynamic stability) performed at Invitae indicates that this missense variant is not expected to disrupt CYP2U1 protein function. In summary, the available evidence is currently insufficient to determine the role of this variant in disease. Therefore, it has been classified as a Variant of Uncertain Significance.